The following is an entry in ClinVar:

NM_000540.3(RYR1):c.9663C>T (p.Thr3221=)

Gene: RYR1 (ryanodine receptor 1; plus strand). Cytogenetic location: 19q13.2.
Variant type: single nucleotide variant.
Coding change: c.9663C>T on transcript NM_000540.3 (MANE Select); coding-DNA position 9663, C replaced by T.
Protein change: p.Thr3221=; no amino-acid change (threonine 3221 retained).
Molecular consequence: synonymous variant.
Genome position (GRCh38, 1-based): chr19:38,516,195, C>T. VCF-style: chr19-38516195-C-T. GRCh37 (hg19) VCF-style: chr19-39006835-C-T.
Other names: c.9663C>T, p.Thr3221= (NM_001042723.2).
Identifiers: ClinVar variation 3070673 (VCV003070673.3), dbSNP rs773630716, ClinGen allele CA073947.

ClinVar aggregate classification (germline): Likely benign. Review status: criteria provided, multiple submitters, no conflicts (2 of 4 stars). 3 submissions from 3 submitters: Likely benign (3). Last evaluated 2023-05-04.

Conditions:
Malignant hyperthermia, susceptibility to, 1 (MHS1). Also called: Malignant hyperthermia suceptibility 1; Anesthesia related hyperthermia; Malignant hyperpyrexia; Fulminating hyperpyrexia; Pharmacogenic myopathy; RYR1-Related Malignant Hyperthermia Susceptibility. Identifiers: Orphanet 423, MedGen C2930980, MONDO:0007783, OMIM 145600.

Allele frequency attached by ClinVar (database versions not stated): gnomAD exomes 0.00001; TOPMed 0.00001; ExAC 0.00004.
gnomAD v4.1: 12 of 1,579,602 alleles (0.00076%); highest among the groups gnomAD compares: South Asian, 0.0012%; no homozygotes.

Submissions (3):

All of Us Research Program, National Institutes of Health
Classification: Likely benign for Malignant hyperthermia, susceptibility to, 1. Last evaluated: 2023-05-04. Review status: criteria provided, single submitter. Criteria: ACMG Guidelines, 2015. Collection method: clinical testing. Allele origin: germline. Inheritance: Autosomal dominant inheritance. Observed: 2 variant alleles, 2 heterozygotes.
Comment: This study involves interpretation of variants in research participants for the purpose of population health screening. Participant phenotype was not available at the time of variant classification. Additional details can be found in publication PMID: 35346344, PMCID: PMC8962531

Color Diagnostics, LLC DBA Color Health
Classification: Likely benign for Malignant hyperthermia, susceptibility to, 1. Last evaluated: 2023-04-18. Review status: criteria provided, single submitter. Criteria: ACMG Guidelines, 2015. Collection method: clinical testing. Allele origin: germline.

Blueprint Genetics
Classification: Likely benign. Last evaluated: 2022-08-11. Review status: criteria provided, single submitter. Criteria: ACMG Guidelines, 2015. Collection method: clinical testing. Allele origin: germline.